The following is an entry in ClinVar:

ClinVar aggregate classification (germline): Likely benign. Review status: criteria provided, multiple submitters, no conflicts (2 of 4 stars). 3 submissions from 3 submitters: Likely benign (2). 1 of the submissions does not count toward it. Last evaluated 2025-11-12.

Conditions:
Duchenne muscular dystrophy (DMD). Also called: MUSCULAR DYSTROPHY, PSEUDOHYPERTROPHIC PROGRESSIVE, DUCHENNE TYPE; Duchenne Muscular Dystrophy (DMD). Identifiers: Orphanet 98896, MedGen C0013264, MONDO:0010679, OMIM 310200.
Becker muscular dystrophy (BMD). Also called: MUSCULAR DYSTROPHY, PSEUDOHYPERTROPHIC PROGRESSIVE, BECKER TYPE; Becker Muscular Dystrophy (BMD). Identifiers: Orphanet 98895, MedGen C0917713, MONDO:0010311, OMIM 300376.
Cardiomyopathy (CMYO). Also called: Cardiomyopathies. Identifiers: Orphanet 167848, MedGen C0878544, MONDO:0004994, HP:0001638. Inheritance: Various modes of inheritance.
Dystrophin deficiency.

Allele frequency attached by ClinVar (database versions not stated): ExAC 0.00001; gnomAD 0.00001; gnomAD exomes 0.00001 and 0.00002; TOPMed 0.00002; 1000 Genomes Project 30x 0.00021; 1000 Genomes Project 0.00026.
gnomAD v4.1: 12 of 1,203,658 alleles (0.001%); highest among the groups gnomAD compares: South Asian, 0.018%; no homozygotes.

Submissions (3):

Labcorp Genetics (formerly Invitae), Labcorp
Classification: Likely benign for Duchenne muscular dystrophy. Last evaluated: 2025-11-12. Review status: criteria provided, single submitter. Criteria: Invitae Variant Classification Sherloc (09022015). Collection method: clinical testing. Allele origin: germline.

GeneDx
Classification: Likely benign. Last evaluated: 2016-07-25. Review status: criteria provided, single submitter. Criteria: GeneDx Variant Classification (06012015). Collection method: clinical testing. Allele origin: germline. Affected: yes.
Comment: This variant is considered likely benign or benign based on one or more of the following criteria: it is a conservative change, it occurs at a poorly conserved position in the protein, it is predicted to be benign by multiple in silico algorithms, and/or has population frequency not consistent with disease.

Natera, Inc.
Classification: Likely benign for Becker muscular dystrophy; Cardiomyopathy; Duchenne muscular dystrophy; Dystrophin deficiency. Last evaluated: 2019-07-29. Review status: no assertion criteria provided. Collection method: clinical testing. Allele origin: germline. Not counted in ClinVar's aggregate classification.

NM_004006.3(DMD):c.10224-5T>C

Gene: DMD (dystrophin; minus strand). Cytogenetic location: Xp21.2.
Variant type: single nucleotide variant.
Coding change: c.10224-5T>C on transcript NM_004006.3 (MANE Select); 5 bases into the intron before coding-DNA position 10224, T replaced by C.
Molecular consequence: intron variant.
Genome position (GRCh38, 1-based): chrX:31,177,975, A>G on the plus strand (T>C on the coding strand, the complement: DMD is on the minus strand). VCF-style: chrX-31177975-A-G. GRCh37 (hg19) VCF-style: chrX-31196092-A-G.
Other names: c.10200-5T>C (NM_000109.4); c.6201-5T>C (NM_004011.4); c.6192-5T>C (NM_004012.4); c.2843+694T>C (NM_004023.3, NM_004020.4, NM_004022.3); c.2844-5T>C (NM_004021.3, NM_004013.3); c.2037-5T>C (NM_004014.3); c.1019+694T>C (NM_004018.3, NM_004017.3); c.1020-5T>C (NM_004016.3, NM_004015.3); and 2 more.
Identifiers: ClinVar variation 387687 (VCV000387687.10), dbSNP rs768272792, ClinGen allele CA10377659.